The following is an entry in ClinVar:

ClinVar aggregate classification (germline): Uncertain significance. Review status: criteria provided, multiple submitters, no conflicts (2 of 4 stars). 2 submissions from 2 submitters: Uncertain significance (2). Last evaluated 2025-06-02.

Conditions:
Mucopolysaccharidosis type 7 (MPS7). Also called: SLY SYNDROME; BETA-GLUCURONIDASE DEFICIENCY; GUSB DEFICIENCY; MPS VII. Identifiers: Orphanet 584, MedGen C0085132, MONDO:0009662, OMIM 253220.

gnomAD v4.1: 1 of 1,613,556 alleles (0.000062%); no homozygotes.

Submissions (2):

GeneDx
Classification: Uncertain significance. Last evaluated: 2025-06-02. Review status: criteria provided, single submitter. Criteria: GeneDx Variant Classification Process June 2021. Collection method: clinical testing. Allele origin: germline. Affected: yes.
Comment: Not observed at significant frequency in large population cohorts (gnomAD); In silico analysis supports that this missense variant has a deleterious effect on protein structure/function; Has not been previously published as pathogenic or benign to our knowledge

Department of Pathology and Laboratory Medicine, Sinai Health System
Classification: Uncertain significance for Mucopolysaccharidosis type 7. Last evaluated: 2023-04-22. Review status: criteria provided, single submitter. Criteria: ACMG Guidelines, 2015. Collection method: research. Allele origin: germline.

NM_000181.4(GUSB):c.1617C>A (p.Ser539Arg)

Genes: GUSB (glucuronidase beta; minus strand), LOC126860055 (MED14-independent group 3 enhancer GRCh37_chr7:65432190-65433389; plus strand). Cytogenetic location: 7q11.21.
Variant type: single nucleotide variant.
Coding change: c.1617C>A on transcript NM_000181.4 (MANE Select); coding-DNA position 1617, C replaced by A.
Protein change: p.Ser539Arg; replaces serine 539 with arginine.
Molecular consequence: missense variant. On other transcripts: non-coding transcript variant (1).
Genome position (GRCh38, 1-based): chr7:65,967,767, G>T on the plus strand (C>A on the coding strand, the complement: GUSB is on the minus strand). VCF-style: chr7-65967767-G-T. GRCh37 (hg19) VCF-style: chr7-65432754-G-T.
Other names: c.1617C>A (NM_000181.3); c.1179C>A, p.Ser393Arg (NM_001284290.2); c.1047C>A, p.Ser349Arg (NM_001293104.2); c.960C>A, p.Ser320Arg (NM_001293105.2); short protein forms S393R, S320R, S349R, S539R.
Identifiers: ClinVar variation 3893167 (VCV003893167.2).